The following is an entry in ClinVar:

ClinVar aggregate classification (germline): Uncertain significance (1 of 4 stars; one submission).

Submission:

Women's Health and Genetics/Laboratory Corporation of America, LabCorp
Classification: Uncertain significance. Last evaluated: 2023-08-15. Review status: criteria provided, single submitter. Criteria: LabCorp Variant Classification Summary - May 2015. Collection method: clinical testing. Allele origin: germline.
Comment: Variant summary: SLC22A5 c.47C>T (p.Pro16Leu) results in a non-conservative amino acid change in the encoded protein sequence. Three of five in-silico tools predict a benign effect of the variant on protein function. The variant was absent in 249170 control chromosomes. c.47C>T has been reported in the literature in individuals affected with or suspected of having Systemic Primary Carnitine Deficiency (e.g. Longo_2016, Frigeni_2017). However, these reports do not provide unequivocal conclusions about association of the variant with Systemic Primary Carnitine Deficiency. At least one publication reports experimental evidence evaluating an impact on protein function (e.g. Frigeni_2017). Expression of this variant in CHO cells results in a loss of carnitine transport activity compared to wild-type. The following publications have been ascertained in the context of this evaluation (PMID: 28841266, 26828774). No submitters have cited clinical-significance assessments for this variant to ClinVar after 2014. Based on the evidence outlined above, the variant was classified as VUS - possibly pathogenic.

Literature cited by the submitters: PubMed 26828774; PubMed 28841266.

NM_003060.4(SLC22A5):c.47C>T (p.Pro16Leu)

Gene: SLC22A5 (solute carrier family 22 member 5; plus strand). Cytogenetic location: 5q31.1.
Variant type: single nucleotide variant.
Coding change: c.47C>T on transcript NM_003060.4 (MANE Select); coding-DNA position 47, C replaced by T.
Protein change: p.Pro16Leu; replaces proline 16 with leucine.
Molecular consequence: missense variant.
Genome position (GRCh38, 1-based): chr5:132,370,019, C>T. VCF-style: chr5-132370019-C-T. GRCh37 (hg19) VCF-style: chr5-131705711-C-T.
Other names: c.47C>T, p.Pro16Leu (NM_001308122.2); short protein forms P16L.
Identifiers: ClinVar variation 2581708 (VCV002581708.1), dbSNP rs2532087944, ClinGen allele CA360802271.